The following is an entry in ClinVar:

NM_000360.4(TH):c.459G>A (p.Glu153=)

Gene: TH (tyrosine hydroxylase; minus strand). Cytogenetic location: 11p15.5.
Variant type: single nucleotide variant.
Coding change: c.459G>A on transcript NM_000360.4 (MANE Select); coding-DNA position 459, G replaced by A.
Protein change: p.Glu153=; no amino-acid change (glutamic acid 153 retained).
Molecular consequence: synonymous variant.
Genome position (GRCh38, 1-based): chr11:2,168,519, C>T on the plus strand (G>A on the coding strand, the complement: TH is on the minus strand). VCF-style: chr11-2168519-C-T. GRCh37 (hg19) VCF-style: chr11-2189749-C-T.
Other names: c.552G>A, p.Glu184= (NM_199292.3); c.540G>A, p.Glu180= (NM_199293.3).
Identifiers: ClinVar variation 698440 (VCV000698440.34), dbSNP rs373986982, ClinGen allele CA5818658.

ClinVar aggregate classification (germline): Likely benign. Review status: criteria provided, multiple submitters, no conflicts (2 of 4 stars). 2 submissions from 2 submitters: Likely benign (2). Last evaluated 2025-11-01.

Conditions:
TH-deficient dopa-responsive dystonia. Also called: Segawa syndrome, autosomal recessive; Tyrosine Hydroxylase-Deficient Dopa-Responsive Dystonia; DYT-TH. Identifiers: Orphanet 101150, MedGen C2673535, MONDO:0011551, OMIM 605407.

Allele frequency attached by ClinVar (database versions not stated): gnomAD 0.00003; TOPMed 0.00003; gnomAD exomes 0.00005; ExAC 0.00008; ESP Exome Variant Server 0.00008.
gnomAD v4.1: 122 of 1,612,224 alleles (0.0076%); highest among the groups gnomAD compares: Non-Finnish European, 0.0094%; no homozygotes.

Submissions (2):

CeGaT Center for Human Genetics Tuebingen
Classification: Likely benign. Last evaluated: 2025-11-01. Review status: criteria provided, single submitter. Criteria: CeGaT Center For Human Genetics Tuebingen Variant Classification Criteria Version 2. Collection method: clinical testing. Allele origin: germline. Affected: yes. Observed: 2 variant alleles.
Comment: TH: BP4, BP7

Labcorp Genetics (formerly Invitae), Labcorp
Classification: Likely benign for TH-deficient dopa-responsive dystonia. Last evaluated: 2025-07-27. Review status: criteria provided, single submitter. Criteria: Invitae Variant Classification Sherloc (09022015). Collection method: clinical testing. Allele origin: germline.